The following is an entry in ClinVar:

NM_031372.4(HNRNPDL):c.280T>C (p.Ser94Pro)

Gene: HNRNPDL (heterogeneous nuclear ribonucleoprotein D like; minus strand). Cytogenetic location: 4q21.22.
Variant type: single nucleotide variant.
Coding change: c.280T>C on transcript NM_031372.4 (MANE Select); coding-DNA position 280, T replaced by C.
Protein change: p.Ser94Pro; replaces serine 94 with proline.
Molecular consequence: missense variant. On other transcripts: non-coding transcript variant (1).
Genome position (GRCh38, 1-based): chr4:82,429,411, A>G on the plus strand (T>C on the coding strand, the complement: HNRNPDL is on the minus strand). VCF-style: chr4-82429411-A-G. GRCh37 (hg19) VCF-style: chr4-83350564-A-G.
Other names: c.280T>C, p.Ser94Pro (NM_001207000.1); c.280T>C (NM_031372.3); short protein forms S94P.
Identifiers: ClinVar variation 2782270 (VCV002782270.5), dbSNP rs762023929, ClinGen allele CA2985081.

ClinVar aggregate classification (germline): Uncertain significance. Review status: criteria provided, multiple submitters, no conflicts (2 of 4 stars). 3 submissions from 3 submitters: Uncertain significance (3). Last evaluated 2024-12-03.

Conditions:
Autosomal dominant limb-girdle muscular dystrophy type 1G (LGMDD3). Also called: Limb-girdle muscular dystrophy, type 1G; MUSCULAR DYSTROPHY, LIMB-GIRDLE, AUTOSOMAL DOMINANT 3. Identifiers: Orphanet 55596, MedGen C1836765, MONDO:0012193, OMIM 609115.

gnomAD v4.1: 39 of 1,612,602 alleles (0.0024%); highest among the groups gnomAD compares: East Asian, 0.04%; no homozygotes.

Submissions (3):

Ambry Genetics
Classification: Uncertain significance. Last evaluated: 2024-12-03. Review status: criteria provided, single submitter. Criteria: Ambry Variant Classification Scheme 2023. Collection method: clinical testing. Allele origin: germline.

Labcorp Genetics (formerly Invitae), Labcorp
Classification: Uncertain significance for Autosomal dominant limb-girdle muscular dystrophy type 1G. Last evaluated: 2024-08-04. Review status: criteria provided, single submitter. Criteria: Invitae Variant Classification Sherloc (09022015). Collection method: clinical testing. Allele origin: germline.
Comment: This sequence change replaces serine, which is neutral and polar, with proline, which is neutral and non-polar, at codon 94 of the HNRNPDL protein (p.Ser94Pro). This variant is present in population databases (rs762023929, gnomAD 0.005%). This variant has not been reported in the literature in individuals affected with HNRNPDL-related conditions. An algorithm developed to predict the effect of missense changes on protein structure and function (PolyPhen-2) suggests that this variant is likely to be tolerated. In summary, the available evidence is currently insufficient to determine the role of this variant in disease. Therefore, it has been classified as a Variant of Uncertain Significance.

Revvity Omics, Revvity
Classification: Uncertain significance for Autosomal dominant limb-girdle muscular dystrophy type 1G. Last evaluated: 2023-08-16. Review status: criteria provided, single submitter. Criteria: ACMG Guidelines, 2015. Collection method: clinical testing. Allele origin: germline.